The following is an entry in ClinVar:

ClinVar aggregate classification (germline): Likely benign. Review status: criteria provided, multiple submitters, no conflicts (2 of 4 stars). 2 submissions from 2 submitters: Likely benign (2). Last evaluated 2025-07-16.

Conditions:
PKD1-related disorder. Also called: PKD1-related condition.
Inborn genetic diseases. Identifiers: MedGen C0950123, MeSH D030342.

Allele frequency attached by ClinVar (database versions not stated): TOPMed 0.00009; ExAC 0.00011; gnomAD exomes 0.00002; gnomAD 0.00003.
gnomAD v4.1: 34 of 1,586,482 alleles (0.0021%); highest among the groups gnomAD compares: East Asian, 0.054%; no homozygotes.

Submissions (2):

Ambry Genetics
Classification: Likely benign for Inborn genetic diseases. Last evaluated: 2025-07-16. Review status: criteria provided, single submitter. Criteria: Ambry Variant Classification Scheme 2023. Collection method: clinical testing. Allele origin: germline.

PreventionGenetics, part of Exact Sciences
Classification: Likely benign for PKD1-related condition. Last evaluated: 2024-11-18. Review status: criteria provided, single submitter. Criteria: ACMG Guidelines, 2015. Collection method: clinical testing. Allele origin: germline.
Comment: This variant is classified as likely benign based on ACMG/AMP sequence variant interpretation guidelines (Richards et al. 2015 PMID: 25741868, with internal and published modifications).

NM_001009944.3(PKD1):c.3269A>G (p.Asn1090Ser)

Gene: PKD1 (polycystin 1, transient receptor potential channel interacting; minus strand). Cytogenetic location: 16p13.3.
Variant type: single nucleotide variant.
Coding change: c.3269A>G on transcript NM_001009944.3 (MANE Select); coding-DNA position 3269, A replaced by G.
Protein change: p.Asn1090Ser; replaces asparagine 1090 with serine.
Molecular consequence: missense variant.
Genome position (GRCh38, 1-based): chr16:2,112,366, T>C on the plus strand (A>G on the coding strand, the complement: PKD1 is on the minus strand). VCF-style: chr16-2112366-T-C. GRCh37 (hg19) VCF-style: chr16-2162367-T-C.
Other names: c.3269A>G, p.Asn1090Ser (NM_000296.4); short protein forms N1090S.
Identifiers: ClinVar variation 2303707 (VCV002303707.4), dbSNP rs750288921, ClinGen allele CA7832868.